The following is an entry in ClinVar:

NM_000516.7(GNAS):c.874A>G (p.Asn292Asp)

Gene: GNAS (GNAS complex locus; plus strand). Cytogenetic location: 20q13.32.
Variant type: single nucleotide variant.
Coding change: c.874A>G on transcript NM_000516.7 (MANE Select); coding-DNA position 874, A replaced by G.
Protein change: p.Asn292Asp; replaces asparagine 292 with aspartic acid.
Molecular consequence: missense variant. On other transcripts: 3 prime UTR variant (2).
Genome position (GRCh38, 1-based): chr20:58,909,985, A>G. VCF-style: chr20-58909985-A-G. GRCh37 (hg19) VCF-style: chr20-57485040-A-G.
Other names: c.877A>G, p.Asn293Asp (NM_001077488.5); c.829A>G, p.Asn277Asp (NM_001077489.4); c.*735A>G (NM_001077490.3); c.697A>G, p.Asn233Asp (NM_001309840.2, NM_001309861.2, NM_001438276.1 and 1 more transcripts); c.778A>G, p.Asn260Asp (NM_001410912.1); c.2758A>G, p.Asn920Asp (NM_001410913.1); c.652A>G, p.Asn218Asp (NM_001438273.1, NM_001438274.1, NM_001438275.1); c.*780A>G (NM_016592.5); and 2 more; short protein forms N218D, N233D, N260D, N277D, N278D, N292D, N293D, N920D.
Identifiers: ClinVar variation 4280041 (VCV004280041.1).
Genomic context (GRCh38, chr20:58,909,985, plus strand): 5'-CATTCACACGGCCTCCCTTCTTGTAGATGGCTGCGCACCATCTCTGTGATCCTGTTCCTC[A>G]ACAAGCAAGATCTGCTCGCTGAGAAAGTCCTTGCTGGGAAATCGAAGATTGAGGACTACT-3'
Protein context (NP_000507.1, residues 282-302): LRTISVILFL[Asn292Asp]KQDLLAEKVL

ClinVar aggregate classification (germline): Uncertain significance (1 of 4 stars; one submission).

Conditions:
Pseudopseudohypoparathyroidism (PPHP). Also called: ALBRIGHT HEREDITARY OSTEODYSTROPHY WITHOUT MULTIPLE HORMONE RESISTANCE; Pseudopseudohypoparathyroidism (PPHP). Identifiers: Orphanet 79445, MedGen C0033835, MONDO:0012912, OMIM 612463.

Submission:

Johns Hopkins Genomics, Johns Hopkins University
Classification: Uncertain significance for Pseudopseudohypoparathyroidism. Last evaluated: 2024-09-10. Review status: criteria provided, single submitter. Criteria: ACMG Guidelines, 2015. Collection method: clinical testing. Allele origin: germline.
Comment: This variant is absent from a large population dataset and has not been reported in ClinVar nor the literature, to our knowledge. Two bioinformatic tools queried predict that this substitution would be damaging, and the asparagine residue at this position is evolutionarily conserved across all of the species assessed. We consider the clinical significance of c.874A>G in GNAS to be uncertain at this time.

Literature cited by the submitters: PubMed 10980525; PubMed 11600516; PubMed 18258741; PubMed 18373982; PubMed 27428667.